The following is an entry in ClinVar:

NM_001261826.3(AP3D1):c.2130C>T (p.Ser710=)

Gene: AP3D1 (adaptor related protein complex 3 subunit delta 1; minus strand). Cytogenetic location: 19p13.3.
Variant type: single nucleotide variant.
Coding change: c.2130C>T on transcript NM_001261826.3 (MANE Select); coding-DNA position 2130, C replaced by T.
Protein change: p.Ser710=; no amino-acid change (serine 710 retained).
Molecular consequence: synonymous variant.
Genome position (GRCh38, 1-based): chr19:2,115,557, G>A on the plus strand (C>T on the coding strand, the complement: AP3D1 is on the minus strand). VCF-style: chr19-2115557-G-A. GRCh37 (hg19) VCF-style: chr19-2115556-G-A.
Other names: p.Ser710=; c.2130C>T, p.Ser710= (NM_001374799.1, NM_003938.8).
Identifiers: ClinVar variation 1674633 (VCV001674633.9), dbSNP rs1305098723, ClinGen allele CA504773770.
Genomic context (GRCh38, chr19:2,115,557, plus strand): 5'-CCATGTGACAAATGCGGCGCCGACACACCGGAGACACTTGCCTGGAACCTTCAAGGGGAC[G>A]GAGAGGTCAATCTGCACCACGGGAATGTGCTCCACGCCCGGGGTGTCCTGGTACCGCTGC-3'
Protein context (NP_001248755.1, residues 700-720): EHIPVVQIDL[Ser710=]VPLKVPGLPM

ClinVar aggregate classification (germline): Likely benign. Review status: criteria provided, multiple submitters, no conflicts (2 of 4 stars). 2 submissions from 2 submitters: Likely benign (2). Last evaluated 2025-09-22.

Allele frequency attached by ClinVar (database versions not stated): gnomAD 0.00001; gnomAD exomes 0.00001; TOPMed 0.00002.
gnomAD v4.1: 23 of 1,613,174 alleles (0.0014%); highest among the groups gnomAD compares: East Asian, 0.027%; no homozygotes.

Submissions (2):

Mayo Clinic Laboratories, Mayo Clinic
Classification: Likely benign. Last evaluated: 2025-09-22. Review status: criteria provided, single submitter. Criteria: ACMG Guidelines, 2015. Collection method: clinical testing. Allele origin: germline. Observed: 1 variant allele.
Comment: BP4, BP7, PM2_supporting

Labcorp Genetics (formerly Invitae), Labcorp
Classification: Likely benign. Last evaluated: 2021-04-21. Review status: criteria provided, single submitter. Criteria: Invitae Variant Classification Sherloc (09022015). Collection method: clinical testing. Allele origin: germline.